The following is an entry in ClinVar:

NM_001267550.2(TTN):c.32826A>T (p.Arg10942Ser)

Gene: TTN (titin; minus strand). Cytogenetic location: 2q31.2.
Variant type: single nucleotide variant.
Coding change: c.32826A>T on transcript NM_001267550.2 (MANE Select); coding-DNA position 32826, A replaced by T.
Protein change: p.Arg10942Ser; replaces arginine 10942 with serine.
Molecular consequence: missense variant. On other transcripts: intron variant (3).
Genome position (GRCh38, 1-based): chr2:178,683,272, T>A on the plus strand (A>T on the coding strand, the complement: TTN is on the minus strand). VCF-style: chr2-178683272-T-A. GRCh37 (hg19) VCF-style: chr2-179547999-T-A.
Other names: c.31875A>T, p.Arg10625Ser (NM_001256850.1); c.29094A>T, p.Arg9698Ser (NM_133378.4); c.13283-40955A>T (NM_003319.4); c.13859-40955A>T (NM_133437.4); c.13658-40955A>T (NM_133432.3); short protein forms R10625S, R10942S, R9698S.
Identifiers: ClinVar variation 2631637 (VCV002631637.2), dbSNP rs2474095347, ClinGen allele CA349544403.
Genomic context (GRCh38, chr2:178,683,272, plus strand): 5'-TTTGATGGGTTGAGGTTCTCTTTTTGGAGCTTCAATTGATACTTTTTCTTCTTTAACCAC[T>A]CTTTTTCTGAATTCAGTCACTTTAAAGGAGTAATTATTAAAAGTGAATTGCAAGATTCTG-3'
Protein context (NP_001254479.2, residues 10932-10952): PPAKVTEFRK[Arg10942Ser]VVKEEKVSIE

ClinVar aggregate classification (germline): Uncertain significance (1 of 4 stars; one submission).

Conditions:
TTN-related disorder. Also called: TTN-related disorders; TTN-related condition; TTN-related disease.

Submission:

PreventionGenetics, part of Exact Sciences
Classification: Uncertain significance for TTN-related condition. Last evaluated: 2025-07-22. Review status: criteria provided, single submitter. Criteria: ACMG Guidelines, 2015. Collection method: clinical testing. Allele origin: germline.
Comment: The TTN c.32826A>T variant is predicted to result in the amino acid substitution p.Arg10942Ser. To our knowledge, this variant has not been reported in the literature or in a large population database (gnomAD), indicating this variant is rare. At this time, the clinical significance of this variant is uncertain due to the absence of conclusive functional and genetic evidence.